The following is an entry in ClinVar:

NC_000009.12:g.35658023C>A

Gene: RMRP (RNA component of mitochondrial RNA processing endoribonuclease; minus strand). Cytogenetic location: 9p13.3.
Variant type: single nucleotide variant.
Genome position: GRCh38 VCF-style: chr9-35658023-C-A. GRCh37 (hg19) VCF-style: chr9-35658020-C-A.
Identifiers: ClinVar variation 648753 (VCV000648753.5), dbSNP rs7024732, ClinGen allele CA192745751.

ClinVar aggregate classification (germline): Uncertain significance. Review status: criteria provided, single submitter (1 of 4 stars). 2 submissions from 2 submitters: Uncertain significance (1). 1 of the submissions does not count toward it. Last evaluated 2025-02-27.

Conditions:
Metaphyseal chondrodysplasia, McKusick type (CHH). Also called: Cartilage-Hair Hypoplasia (CHH); Cartilage-hair hypoplasia. Identifiers: Orphanet 175, MedGen C0220748, MONDO:0009595, OMIM 250250.
Anauxetic dysplasia. Identifiers: Orphanet 93347, MedGen C1846796, MONDO:0011773.

Submissions (2):

Labcorp Genetics (formerly Invitae), Labcorp
Classification: Uncertain significance for Anauxetic dysplasia. Last evaluated: 2025-02-27. Review status: criteria provided, single submitter. Criteria: Invitae Variant Classification Sherloc (09022015). Collection method: clinical testing. Allele origin: germline.
Comment: This variant occurs in the RMRP gene, which encodes an RNA molecule that does not result in a protein product. This variant is present in population databases (no rsID available, gnomAD 0.04%). This variant has not been reported in the literature in individuals affected with RMRP-related conditions. ClinVar contains an entry for this variant (Variation ID: 648753). Experimental studies and prediction algorithms are not available or were not evaluated, and the functional significance of this variant is currently unknown. In summary, the available evidence is currently insufficient to determine the role of this variant in disease. Therefore, it has been classified as a Variant of Uncertain Significance.

Natera, Inc.
Classification: Uncertain significance for Cartilage-hair hypoplasia. Last evaluated: 2020-02-21. Review status: no assertion criteria provided. Collection method: clinical testing. Allele origin: germline. Not counted in ClinVar's aggregate classification.